The following is an entry in ClinVar:

NM_000094.4(COL7A1):c.3775C>A (p.Pro1259Thr)

Gene: COL7A1 (collagen type VII alpha 1 chain; minus strand). Cytogenetic location: 3p21.31.
Variant type: single nucleotide variant.
Coding change: c.3775C>A on transcript NM_000094.4 (MANE Select); coding-DNA position 3775, C replaced by A.
Protein change: p.Pro1259Thr; replaces proline 1259 with threonine.
Molecular consequence: missense variant.
Genome position (GRCh38, 1-based): chr3:48,585,841, G>T on the plus strand (C>A on the coding strand, the complement: COL7A1 is on the minus strand). VCF-style: chr3-48585841-G-T. GRCh37 (hg19) VCF-style: chr3-48623274-G-T.
Other names: short protein forms P1259T.
Identifiers: ClinVar variation 3639346 (VCV003639346.2).

ClinVar aggregate classification (germline): Uncertain significance (1 of 4 stars; one submission).

gnomAD v4.1: 2 of 1,614,070 alleles (0.00012%); highest among the groups gnomAD compares: Non-Finnish European, 0.00017%; no homozygotes.

Submission:

Labcorp Genetics (formerly Invitae), Labcorp
Classification: Uncertain significance. Last evaluated: 2024-05-29. Review status: criteria provided, single submitter. Criteria: Invitae Variant Classification Sherloc (09022015). Collection method: clinical testing. Allele origin: germline.
Comment: This sequence change replaces proline, which is neutral and non-polar, with threonine, which is neutral and polar, at codon 1259 of the COL7A1 protein (p.Pro1259Thr). This variant is not present in population databases (gnomAD no frequency). This variant has not been reported in the literature in individuals affected with COL7A1-related conditions. Advanced modeling of protein sequence and biophysical properties (such as structural, functional, and spatial information, amino acid conservation, physicochemical variation, residue mobility, and thermodynamic stability) performed at Invitae indicates that this missense variant is not expected to disrupt COL7A1 protein function with a negative predictive value of 95%. In summary, the available evidence is currently insufficient to determine the role of this variant in disease. Therefore, it has been classified as a Variant of Uncertain Significance.